The following is an entry in ClinVar:

ClinVar aggregate classification (germline): Benign (1 of 4 stars; one submission).

Conditions:
Familial cancer of breast. Also called: hereditary breast carcinoma; Hereditary breast cancer; BREAST CANCER, FAMILIAL. Identifiers: Orphanet 227535, MedGen C0346153, MONDO:0016419, OMIM 114480. Disease mechanism: loss of function.

Submission:

Myriad Genetics, Inc.
Classification: Benign for Familial cancer of breast. Last evaluated: 2024-09-10. Review status: criteria provided, single submitter. Criteria: Myriad Autosomal Dominant, Autosomal Recessive and X-Linked Classification Criteria (2023). Collection method: clinical testing. Allele origin: unknown.
Comment: This variant is considered benign. This variant is a silent/synonymous amino acid change and it is not expected to impact splicing.

NM_032043.3(BRIP1):c.3273T>C (p.His1091=)

Gene: BRIP1 (BRCA1 interacting DNA helicase 1; minus strand). Cytogenetic location: 17q23.2.
Variant type: single nucleotide variant.
Coding change: c.3273T>C on transcript NM_032043.3 (MANE Select); coding-DNA position 3273, T replaced by C.
Protein change: p.His1091=; no amino-acid change (histidine 1091 retained).
Molecular consequence: synonymous variant.
Genome position (GRCh38, 1-based): chr17:61,683,773, A>G on the plus strand (T>C on the coding strand, the complement: BRIP1 is on the minus strand). VCF-style: chr17-61683773-A-G. GRCh37 (hg19) VCF-style: chr17-59761134-A-G.
Identifiers: ClinVar variation 3379338 (VCV003379338.1).